The following is an entry in ClinVar:

ClinVar aggregate classification (germline): Likely benign (1 of 4 stars; one submission).

Submission:

CeGaT Center for Human Genetics Tuebingen
Classification: Likely benign. Last evaluated: 2022-12-01. Review status: criteria provided, single submitter. Criteria: CeGaT Center For Human Genetics Tuebingen Variant Classification Criteria Version 2. Collection method: clinical testing. Allele origin: germline. Affected: yes. Observed: 1 variant allele.
Comment: ZFYVE26: PM2:Supporting, BP4, BP7

NM_015346.4(ZFYVE26):c.5835G>A (p.Arg1945=)

Gene: ZFYVE26 (zinc finger FYVE-type containing 26; minus strand). Cytogenetic location: 14q24.1.
Variant type: single nucleotide variant.
Coding change: c.5835G>A on transcript NM_015346.4 (MANE Select); coding-DNA position 5835, G replaced by A.
Protein change: p.Arg1945=; no amino-acid change (arginine 1945 retained).
Molecular consequence: synonymous variant.
Genome position (GRCh38, 1-based): chr14:67,766,403, C>T on the plus strand (G>A on the coding strand, the complement: ZFYVE26 is on the minus strand). VCF-style: chr14-67766403-C-T. GRCh37 (hg19) VCF-style: chr14-68233120-C-T.
Identifiers: ClinVar variation 2644337 (VCV002644337.24), dbSNP rs2502756555, ClinGen allele CA486768667.